The following is an entry in ClinVar:

ClinVar aggregate classification (germline): Uncertain significance (1 of 4 stars; one submission).

Conditions:
Bethlem myopathy 1A. Also called: Bethlem Muscular Dystrophy; MYOPATHY, BENIGN CONGENITAL, WITH CONTRACTURES; Bethlem myopathy 1. Identifiers: Orphanet 610, MedGen CN029274, MONDO:0024530, OMIM 158810.

Submission:

Labcorp Genetics (formerly Invitae), Labcorp
Classification: Uncertain significance for Bethlem myopathy 1A. Last evaluated: 2017-04-25. Review status: criteria provided, single submitter. Criteria: Invitae Variant Classification Sherloc (09022015). Collection method: clinical testing. Allele origin: germline.
Comment: This sequence change replaces isoleucine with serine at codon 730 of the COL6A2 protein (p.Ile730Ser). The isoleucine residue is highly conserved and there is a large physicochemical difference between isoleucine and serine. This variant is not present in population databases (ExAC no frequency) and has not been reported in the literature in individuals with a COL6A2-related disease. Algorithms developed to predict the effect of missense changes on protein structure and function do not agree on the potential impact of this missense change (SIFT: "Deleterious"; PolyPhen-2: "Probably Damaging"; Align-GVGD: "Class C0"). Algorithms developed to predict the effect of sequence changes on RNA splicing suggest that this variant may alter RNA splicing, but this prediction has not been confirmed by published transcriptional studies. In summary, this variant is a novel missense change with uncertain impact on protein function. It has been classified as a Variant of Uncertain Significance.

NM_001849.4(COL6A2):c.2189T>G (p.Ile730Ser)

Gene: COL6A2 (collagen type VI alpha 2 chain; plus strand). Cytogenetic location: 21q22.3.
Variant type: single nucleotide variant.
Coding change: c.2189T>G on transcript NM_001849.4 (MANE Select); coding-DNA position 2189, T replaced by G.
Protein change: p.Ile730Ser; replaces isoleucine 730 with serine.
Molecular consequence: missense variant.
Genome position (GRCh38, 1-based): chr21:46,126,004, T>G. VCF-style: chr21-46126004-T-G. GRCh37 (hg19) VCF-style: chr21-47545918-T-G.
Other names: c.2189T>G, p.Ile730Ser (NM_058174.3, NM_058175.3); short protein forms I730S.
Identifiers: ClinVar variation 476464 (VCV000476464.9), dbSNP rs1555875759, ClinGen allele CA410541980.